The following is an entry in ClinVar:

ClinVar aggregate classification (germline): Likely benign. Review status: criteria provided, multiple submitters, no conflicts (2 of 4 stars). 4 submissions from 4 submitters: Likely benign (3). 1 of the submissions does not count toward it. Last evaluated 2026-01-28.

Conditions:
RELN-related disorder. Also called: RELN-related condition.
Familial temporal lobe epilepsy 7. Identifiers: Orphanet 101046, MedGen C4225327, MONDO:0014639, OMIM 616436.
Norman-Roberts syndrome (LIS2). Also called: Lissencephaly 2 (Norman-Roberts type). Identifiers: Orphanet 89844, MedGen C0796089, MONDO:0009760, OMIM 257320.

Allele frequency attached by ClinVar (database versions not stated): gnomAD exomes 0.00113 and 0.00175; ExAC 0.00116; 1000 Genomes Project 0.00120; gnomAD 0.00126 and 0.00127; TOPMed 0.00136; 1000 Genomes Project 30x 0.00156; ESP Exome Variant Server 0.00161.
gnomAD v4.1: 2,709 of 1,611,092 alleles (0.17%); highest among the groups gnomAD compares: Non-Finnish European, 0.21%; 2 homozygotes.

Submissions (4):

Labcorp Genetics (formerly Invitae), Labcorp
Classification: Likely benign for Familial temporal lobe epilepsy 7; Norman-Roberts syndrome. Last evaluated: 2026-01-28. Review status: criteria provided, single submitter. Criteria: Invitae Variant Classification Sherloc (09022015). Collection method: clinical testing. Allele origin: germline.

Blueprint Genetics
Classification: Likely benign. Last evaluated: 2024-11-08. Review status: criteria provided, single submitter. Criteria: ACMG Guidelines, 2015. Collection method: clinical testing. Allele origin: germline.

GeneDx
Classification: Likely benign. Last evaluated: 2017-09-11. Review status: criteria provided, single submitter. Criteria: GeneDx Variant Classification (06012015). Collection method: clinical testing. Allele origin: germline. Affected: yes.
Comment: This variant is considered likely benign or benign based on one or more of the following criteria: it is a conservative change, it occurs at a poorly conserved position in the protein, it is predicted to be benign by multiple in silico algorithms, and/or has population frequency not consistent with disease.

PreventionGenetics, part of Exact Sciences
Classification: Likely benign for RELN-related condition. Last evaluated: 2022-04-25. Review status: no assertion criteria provided. Collection method: clinical testing. Allele origin: germline. Not counted in ClinVar's aggregate classification.
Comment: This variant is classified as likely benign based on ACMG/AMP sequence variant interpretation guidelines (Richards et al. 2015 PMID: 25741868, with internal and published modifications).

NM_005045.4(RELN):c.7181-19A>G

Gene: RELN (reelin; minus strand). Cytogenetic location: 7q22.1.
Variant type: single nucleotide variant.
Coding change: c.7181-19A>G on transcript NM_005045.4 (MANE Select); 19 bases into the intron before coding-DNA position 7181, A replaced by G.
Molecular consequence: intron variant.
Genome position (GRCh38, 1-based): chr7:103,535,503, T>C on the plus strand (A>G on the coding strand, the complement: RELN is on the minus strand). VCF-style: chr7-103535503-T-C. GRCh37 (hg19) VCF-style: chr7-103175950-T-C.
Other names: c.7181-19A>G (NM_173054.3).
Identifiers: ClinVar variation 516573 (VCV000516573.12), dbSNP rs187689137, ClinGen allele CA4420786.